The following is an entry in ClinVar:

ClinVar aggregate classification (germline): Uncertain significance (1 of 4 stars; one submission).

Allele frequency attached by ClinVar (database versions not stated): ExAC 0.00011; gnomAD exomes 0.00012; 1000 Genomes Project 0.00060; 1000 Genomes Project 30x 0.00062.
gnomAD v4.1: 53 of 1,614,132 alleles (0.0033%); highest among the groups gnomAD compares: East Asian, 0.1%; no homozygotes.

Submission:

Labcorp Genetics (formerly Invitae), Labcorp
Classification: Uncertain significance. Last evaluated: 2022-08-30. Review status: criteria provided, single submitter. Criteria: Invitae Variant Classification Sherloc (09022015). Collection method: clinical testing. Allele origin: germline.
Comment: Algorithms developed to predict the effect of missense changes on protein structure and function (SIFT, PolyPhen-2, Align-GVGD) all suggest that this variant is likely to be tolerated. ClinVar contains an entry for this variant (Variation ID: 1441015). This variant has not been reported in the literature in individuals affected with SLCO5A1-related conditions. This variant is present in population databases (rs200876342, gnomAD 0.2%), and has an allele count higher than expected for a pathogenic variant. This sequence change replaces alanine, which is neutral and non-polar, with glutamic acid, which is acidic and polar, at codon 833 of the SLCO5A1 protein (p.Ala833Glu). In summary, the available evidence is currently insufficient to determine the role of this variant in disease. Therefore, it has been classified as a Variant of Uncertain Significance.

NM_030958.3(SLCO5A1):c.2498C>A (p.Ala833Glu)

Gene: SLCO5A1 (solute carrier organic anion transporter family member 5A1; minus strand). Cytogenetic location: 8q13.3.
Variant type: single nucleotide variant.
Coding change: c.2498C>A on transcript NM_030958.3 (MANE Select); coding-DNA position 2498, C replaced by A.
Protein change: p.Ala833Glu; replaces alanine 833 with glutamic acid.
Molecular consequence: missense variant. On other transcripts: 3 prime UTR variant (1).
Genome position (GRCh38, 1-based): chr8:69,672,918, G>T on the plus strand (C>A on the coding strand, the complement: SLCO5A1 is on the minus strand). VCF-style: chr8-69672918-G-T. GRCh37 (hg19) VCF-style: chr8-70585153-G-T.
Other names: c.*369C>A (NM_001146008.2); c.2333C>A, p.Ala778Glu (NM_001146009.1); short protein forms A833E, A778E.
Identifiers: ClinVar variation 1441015 (VCV001441015.8), dbSNP rs200876342, ClinGen allele CA4776311.